The following is an entry in ClinVar:

NM_001366385.1(CARD14):c.843G>T (p.Leu281=)

Gene: CARD14 (caspase recruitment domain family member 14; plus strand). Cytogenetic location: 17q25.3.
Variant type: single nucleotide variant.
Coding change: c.843G>T on transcript NM_001366385.1 (MANE Select); coding-DNA position 843, G replaced by T.
Protein change: p.Leu281=; no amino-acid change (leucine 281 retained).
Molecular consequence: synonymous variant. On other transcripts: non-coding transcript variant (1).
Genome position (GRCh38, 1-based): chr17:80,188,544, G>T. VCF-style: chr17-80188544-G-T. GRCh37 (hg19) VCF-style: chr17-78162343-G-T.
Other names: c.843G>T, p.Leu281= (NM_001257970.1, NM_024110.4); c.132G>T, p.Leu44= (NM_052819.3).
Identifiers: ClinVar variation 2932226 (VCV002932226.3), dbSNP rs1332503520, ClinGen allele CA502178687.

ClinVar aggregate classification (germline): Uncertain significance (1 of 4 stars; one submission).

Conditions:
Pityriasis rubra pilaris (PRP). Also called: Pityriasis rubra pilaris--familial type. Identifiers: Orphanet 2897, MedGen C0032027, MONDO:0100017, OMIM 173200, MONDO:0008251.
Psoriasis 2. Identifiers: MedGen C1864497, MONDO:0011269, OMIM 602723.

Allele frequency attached by ClinVar (database versions not stated): gnomAD exomes 0.00001; TOPMed 0.00001; gnomAD 0.00003.
gnomAD v4.1: 22 of 1,499,780 alleles (0.0015%); highest among the groups gnomAD compares: African/African-American, 0.0028%; no homozygotes.

Submission:

Labcorp Genetics (formerly Invitae), Labcorp
Classification: Uncertain significance for Pityriasis rubra pilaris; Psoriasis 2. Last evaluated: 2025-09-15. Review status: criteria provided, single submitter. Criteria: Invitae Variant Classification Sherloc (09022015). Collection method: clinical testing. Allele origin: germline.
Comment: This sequence change affects codon 281 of the CARD14 mRNA. It is a 'silent' change, meaning that it does not change the encoded amino acid sequence of the CARD14 protein. This variant also falls at the last nucleotide of exon 5, which is part of the consensus splice site for this exon. This variant is present in population databases (no rsID available, gnomAD 0.005%). This variant has not been reported in the literature in individuals affected with CARD14-related conditions. ClinVar contains an entry for this variant (Variation ID: 2932226). Variants that disrupt the consensus splice site are a relatively common cause of aberrant splicing (PMID: 17576681, 9536098). Algorithms developed to predict the effect of sequence changes on RNA splicing suggest that this variant is not likely to affect RNA splicing. In summary, the available evidence is currently insufficient to determine the role of this variant in disease. Therefore, it has been classified as a Variant of Uncertain Significance.

Literature cited by the submitters: PubMed 17576681; PubMed 9536098.